The following is an entry in ClinVar:

NM_000531.6(OTC):c.77+4A>C

Gene: OTC (ornithine transcarbamylase; plus strand). Cytogenetic location: Xp11.4.
Variant type: single nucleotide variant.
Coding change: c.77+4A>C on transcript NM_000531.6 (MANE Select); 4 bases into the intron after coding-DNA position 77, A replaced by C.
Molecular consequence: intron variant.
Genome position (GRCh38, 1-based): chrX:38,352,777, A>C. VCF-style: chrX-38352777-A-C. GRCh37 (hg19) VCF-style: chrX-38212030-A-C.
Identifiers: ClinVar variation 97316 (VCV000097316.2), dbSNP rs72552301, ClinGen allele CA224776.

ClinVar aggregate classification (germline): Pathogenic (0 of 4 stars; one submission).

Submission:

GenMed Metabolism Lab
Classification: Pathogenic. Review status: no assertion criteria provided. Collection method: not provided. Allele origin: unknown.
Comment: Neonatal, Donor splice site error
ClinVar note: Converted during submission from pathogenic to Pathogenic.